The following is an entry in ClinVar:

ClinVar aggregate classification (germline): Pathogenic (1 of 4 stars; one submission).

Conditions:
Familial cancer of breast. Also called: hereditary breast carcinoma; Hereditary breast cancer; BREAST CANCER, FAMILIAL. Identifiers: Orphanet 227535, MedGen C0346153, MONDO:0016419, OMIM 114480. Disease mechanism: loss of function.

Submission:

Labcorp Genetics (formerly Invitae), Labcorp
Classification: Pathogenic for Familial cancer of breast. Last evaluated: 2023-08-01. Review status: criteria provided, single submitter. Criteria: Invitae Variant Classification Sherloc (09022015). Collection method: clinical testing. Allele origin: germline.
Comment: This sequence change creates a premature translational stop signal (p.His143Thrfs*11) in the CHEK2 gene. It is expected to result in an absent or disrupted protein product. Loss-of-function variants in CHEK2 are known to be pathogenic (PMID: 21876083, 24713400). This variant is not present in population databases (gnomAD no frequency). This variant has not been reported in the literature in individuals affected with CHEK2-related conditions. For these reasons, this variant has been classified as Pathogenic.

Literature cited by the submitters: PubMed 21876083; PubMed 24713400.

NM_007194.4(CHEK2):c.426dup (p.His143fs)

Gene: CHEK2 (checkpoint kinase 2; minus strand). Cytogenetic location: 22q12.1.
Variant type: Duplication.
Coding change: c.426dup on transcript NM_007194.4 (MANE Select); coding-DNA position 426, one base duplicated (A; older notation c.426dupA).
Protein change: p.His143fs; shifts the reading frame from histidine 143.
Molecular consequence: frameshift variant.
Genome position (GRCh38, 1-based): chr22:28,725,261, T duplicated on the plus strand (A on the coding strand, the reverse complement: CHEK2 is on the minus strand); the first of 3 consecutive T bases (chr22:28,725,261-28,725,263); duplicating any one gives the same sequence. VCF-style (leftmost placement, unchanged base first): chr22-28725260-G-GT. GRCh37 (hg19) VCF-style: chr22-29121248-G-GT.
Other names: c.553dup, p.His186Thrfs (NM_001005735.3); c.-354dup (NM_001257387.3); c.424dup, p.His143Thrfs (NM_001349956.3, NM_145862.3); short protein forms H143fs, H186fs.
Identifiers: ClinVar variation 2748939 (VCV002748939.3), dbSNP rs2518058362, ClinGen allele CA2655954881.